The following is an entry in ClinVar:

ClinVar aggregate classification (germline): Uncertain significance. Review status: criteria provided, single submitter (1 of 4 stars). 2 submissions from 2 submitters: Uncertain significance (1). 1 of the submissions does not count toward it. Last evaluated 2022-10-13.

Conditions:
TMEM67-related disorder. Also called: TMEM67-related disorders; TMEM67-related condition. Identifiers: MedGen CN239423.
Joubert syndrome. Also called: Familial aplasia of the vermis; JOUBERT-BOLTSHAUSER SYNDROME. Identifiers: Orphanet 475, MedGen C5979921, MONDO:0018772.
Meckel-Gruber syndrome. Also called: Dysencephalia splachnocystica; DYSENCEPHALIA SPLANCHNOCYSTICA; GRUBER SYNDROME. Identifiers: Orphanet 564, MedGen C0265215, MONDO:0018921.

Allele frequency attached by ClinVar (database versions not stated): gnomAD exomes below 0.00001; gnomAD 0.00004; TOPMed 0.00005.
gnomAD v4.1: 11 of 1,518,364 alleles (0.00072%); highest among the groups gnomAD compares: African/African-American, 0.012%; no homozygotes.

Submissions (2):

Labcorp Genetics (formerly Invitae), Labcorp
Classification: Uncertain significance for Joubert syndrome; Meckel-Gruber syndrome. Last evaluated: 2022-10-13. Review status: criteria provided, single submitter. Criteria: Invitae Variant Classification Sherloc (09022015). Collection method: clinical testing. Allele origin: germline.
Comment: This sequence change falls in intron 9 of the TMEM67 gene. It does not directly change the encoded amino acid sequence of the TMEM67 protein. It affects a nucleotide within the consensus splice site. This variant is present in population databases (no rsID available, gnomAD 0.008%). This variant has not been reported in the literature in individuals affected with TMEM67-related conditions. ClinVar contains an entry for this variant (Variation ID: 1418678). Variants that disrupt the consensus splice site are a relatively common cause of aberrant splicing (PMID: 17576681, 9536098). Algorithms developed to predict the effect of sequence changes on RNA splicing suggest that this variant is not likely to affect RNA splicing. In summary, the available evidence is currently insufficient to determine the role of this variant in disease. Therefore, it has been classified as a Variant of Uncertain Significance.

PreventionGenetics, part of Exact Sciences
Classification: Likely benign for TMEM67-related condition. Last evaluated: 2021-12-08. Review status: no assertion criteria provided. Collection method: clinical testing. Allele origin: germline. Not counted in ClinVar's aggregate classification.
Comment: This variant is classified as likely benign based on ACMG/AMP sequence variant interpretation guidelines (Richards et al. 2015 PMID: 25741868, with internal and published modifications).

Literature cited by the submitters: PubMed 17576681 (cited by Labcorp Genetics (formerly Invitae), Labcorp); PubMed 9536098 (cited by Labcorp Genetics (formerly Invitae), Labcorp).

NM_153704.6(TMEM67):c.978+5A>C

Gene: TMEM67 (transmembrane protein 67; plus strand). Cytogenetic location: 8q22.1.
Variant type: single nucleotide variant.
Coding change: c.978+5A>C on transcript NM_153704.6 (MANE Select); 5 bases into the intron after coding-DNA position 978, A replaced by C.
Molecular consequence: intron variant.
Genome position (GRCh38, 1-based): chr8:93,780,987, A>C. VCF-style: chr8-93780987-A-C. GRCh37 (hg19) VCF-style: chr8-94793215-A-C.
Other names: c.735+5A>C (NM_001142301.1); c.978+5A>C (NM_153704.5).
Identifiers: ClinVar variation 1418678 (VCV001418678.5), dbSNP rs1022082198, ClinGen allele CA181326831.